The following is an entry in ClinVar:

ClinVar aggregate classification (germline): Uncertain significance (1 of 4 stars; one submission).

Conditions:
Parathyroid carcinoma (PRTC). Also called: Parathyroid gland carcinoma; CDC73-Related Parathyroid Carcinoma. Identifiers: Orphanet 143, MedGen C0687150, MONDO:0012004, OMIM 608266, HP:0006780.

Submission:

Labcorp Genetics (formerly Invitae), Labcorp
Classification: Uncertain significance for Parathyroid carcinoma. Last evaluated: 2024-12-30. Review status: criteria provided, single submitter. Criteria: Invitae Variant Classification Sherloc (09022015). Collection method: clinical testing. Allele origin: germline.
Comment: This sequence change replaces leucine, which is neutral and non-polar, with phenylalanine, which is neutral and non-polar, at codon 95 of the CDC73 protein (p.Leu95Phe). This variant is not present in population databases (gnomAD no frequency). This variant has not been reported in the literature in individuals affected with CDC73-related conditions. Invitae Evidence Modeling of protein sequence and biophysical properties (such as structural, functional, and spatial information, amino acid conservation, physicochemical variation, residue mobility, and thermodynamic stability) indicates that this missense variant is expected to disrupt CDC73 protein function with a positive predictive value of 80%. In summary, the available evidence is currently insufficient to determine the role of this variant in disease. Therefore, it has been classified as a Variant of Uncertain Significance.

NM_024529.5(CDC73):c.283C>T (p.Leu95Phe)

Gene: CDC73 (cell division cycle 73; plus strand). Cytogenetic location: 1q31.2.
Variant type: single nucleotide variant.
Coding change: c.283C>T on transcript NM_024529.5 (MANE Select); coding-DNA position 283, C replaced by T.
Protein change: p.Leu95Phe; replaces leucine 95 with phenylalanine.
Molecular consequence: missense variant.
Genome position (GRCh38, 1-based): chr1:193,130,219, C>T. VCF-style: chr1-193130219-C-T. GRCh37 (hg19) VCF-style: chr1-193099349-C-T.
Other names: short protein forms L95F.
Identifiers: ClinVar variation 3668759 (VCV003668759.2).